The following is an entry in ClinVar:

NM_000257.4(MYH7):c.2162+17A>C

Gene: MYH7 (myosin heavy chain 7; minus strand). Cytogenetic location: 14q11.2.
Variant type: single nucleotide variant.
Coding change: c.2162+17A>C on transcript NM_000257.4 (MANE Select); 17 bases into the intron after coding-DNA position 2162, A replaced by C.
Molecular consequence: intron variant.
Genome position (GRCh38, 1-based): chr14:23,425,947, T>G on the plus strand (A>C on the coding strand, the complement: MYH7 is on the minus strand). VCF-style: chr14-23425947-T-G. GRCh37 (hg19) VCF-style: chr14-23895156-T-G.
Identifiers: ClinVar variation 669962 (VCV000669962.10), dbSNP rs575365669, ClinGen allele CA031334.
Genomic context (GRCh38, chr14:23,425,947, plus strand): 5'-TCACCTGCAGATCCCATTCCCATCAGGGCAGCCTGGCTCCCCCTGTTCTATGAGCTCTGG[T>G]GCACCCTCATACCCACCTCTGCCGGAAGTCCCCGTAGAGGATGCGGTTGGGGAAGCCTTT-3'

ClinVar aggregate classification (germline): Likely benign. Review status: criteria provided, multiple submitters, no conflicts (2 of 4 stars). 3 submissions from 3 submitters: Likely benign (3). Last evaluated 2026-01-11.

Conditions:
Hypertrophic cardiomyopathy. Also called: HYPERTROPHIC MYOCARDIOPATHY. Identifiers: Orphanet 217569, MedGen C0007194, MeSH D002312, MONDO:0005045, HP:0001639.

Allele frequency attached by ClinVar (database versions not stated): gnomAD exomes 0.00008; gnomAD 0.00014 and 0.00015; TOPMed 0.00020; 1000 Genomes Project 30x 0.00031; 1000 Genomes Project 0.00040.
gnomAD v4.1: 137 of 1,613,200 alleles (0.0085%); highest among the groups gnomAD compares: Middle Eastern, 0.094%; no homozygotes.

Submissions (3):

Labcorp Genetics (formerly Invitae), Labcorp
Classification: Likely benign for Hypertrophic cardiomyopathy. Last evaluated: 2026-01-11. Review status: criteria provided, single submitter. Criteria: Invitae Variant Classification Sherloc (09022015). Collection method: clinical testing. Allele origin: germline.

ARUP Laboratories, Molecular Genetics and Genomics, ARUP Laboratories
Classification: Likely benign. Last evaluated: 2025-04-09. Review status: criteria provided, single submitter. Criteria: ARUP Molecular Germline Variant Investigation Process 2024. Collection method: clinical testing. Allele origin: germline.

GeneDx
Classification: Likely benign. Last evaluated: 2018-04-26. Review status: criteria provided, single submitter. Criteria: GeneDx Variant Classification (06012015). Collection method: clinical testing. Allele origin: germline. Affected: yes.
Comment: This variant is considered likely benign or benign based on one or more of the following criteria: it is a conservative change, it occurs at a poorly conserved position in the protein, it is predicted to be benign by multiple in silico algorithms, and/or has population frequency not consistent with disease.